The following is an entry in ClinVar:

ClinVar aggregate classification (germline): Uncertain significance (1 of 4 stars; one submission).

Conditions:
Inborn genetic diseases. Identifiers: MedGen C0950123, MeSH D030342.

Submission:

Ambry Genetics
Classification: Uncertain significance for Inborn genetic diseases. Last evaluated: 2024-12-10. Review status: criteria provided, single submitter. Criteria: Ambry Variant Classification Scheme 2023. Collection method: clinical testing. Allele origin: germline.
Comment: The p.D1012N variant (also known as c.3034G>A), located in coding exon 13 of the ASXL1 gene, results from a G to A substitution at nucleotide position 3034. The aspartic acid at codon 1012 is replaced by asparagine, an amino acid with highly similar properties. This amino acid position is conserved. In addition, this alteration is predicted to be tolerated by in silico analysis. Based on the available evidence, the clinical significance of this variant remains unclear.

NM_015338.6(ASXL1):c.3034G>A (p.Asp1012Asn)

Gene: ASXL1 (ASXL transcriptional regulator 1; plus strand). Cytogenetic location: 20q11.21.
Variant type: single nucleotide variant.
Coding change: c.3034G>A on transcript NM_015338.6 (MANE Select); coding-DNA position 3034, G replaced by A.
Protein change: p.Asp1012Asn; replaces aspartic acid 1012 with asparagine.
Molecular consequence: missense variant.
Genome position (GRCh38, 1-based): chr20:32,435,746, G>A. VCF-style: chr20-32435746-G-A. GRCh37 (hg19) VCF-style: chr20-31023549-G-A.
Other names: c.2851G>A, p.Asp951Asn (NM_001363734.1); short protein forms D951N, D1012N.
Identifiers: ClinVar variation 3439961 (VCV003439961.1).